The following is an entry in ClinVar:

ClinVar aggregate classification (germline): Uncertain significance (1 of 4 stars; one submission).

Submission:

Labcorp Genetics (formerly Invitae), Labcorp
Classification: Uncertain significance. Last evaluated: 2020-01-03. Review status: criteria provided, single submitter. Criteria: Invitae Variant Classification Sherloc (09022015). Collection method: clinical testing. Allele origin: germline.
Comment: This variant has not been reported in the literature in individuals with ADGRA3-related conditions. In summary, the available evidence is currently insufficient to determine the role of this variant in disease. Therefore, it has been classified as a Variant of Uncertain Significance. Algorithms developed to predict the effect of missense changes on protein structure and function (SIFT, PolyPhen-2, Align-GVGD) all suggest that this variant is likely to be tolerated, but these predictions have not been confirmed by published functional studies and their clinical significance is uncertain. This variant is not present in population databases (ExAC no frequency). This sequence change replaces phenylalanine with leucine at codon 560 of the ADGRA3 protein (p.Phe560Leu). The phenylalanine residue is highly conserved and there is a small physicochemical difference between phenylalanine and leucine.

NM_145290.4(ADGRA3):c.1680C>A (p.Phe560Leu)

Gene: ADGRA3 (adhesion G protein-coupled receptor A3; minus strand). Cytogenetic location: 4p15.2.
Variant type: single nucleotide variant.
Coding change: c.1680C>A on transcript NM_145290.4 (MANE Select); coding-DNA position 1680, C replaced by A.
Protein change: p.Phe560Leu; replaces phenylalanine 560 with leucine.
Molecular consequence: missense variant.
Genome position (GRCh38, 1-based): chr4:22,421,015, G>T on the plus strand (C>A on the coding strand, the complement: ADGRA3 is on the minus strand). VCF-style: chr4-22421015-G-T. GRCh37 (hg19) VCF-style: chr4-22422638-G-T.
Other names: short protein forms F560L.
Identifiers: ClinVar variation 1026566 (VCV001026566.9), dbSNP rs143510925, ClinGen allele CA356480972.